The following is an entry in ClinVar:

ClinVar aggregate classification (germline): Uncertain significance. Review status: criteria provided, multiple submitters, no conflicts (2 of 4 stars). 2 submissions from 2 submitters: Uncertain significance (2). Last evaluated 2024-12-07.

Conditions:
Hereditary cancer-predisposing syndrome. Also called: Neoplastic Syndromes, Hereditary; Tumor predisposition; Hereditary neoplastic syndrome; Hereditary Cancer Syndrome. Identifiers: Orphanet 140162, MedGen C0027672, MeSH D009386, MONDO:0015356.
Renal cell carcinoma. Identifiers: Orphanet 217071, MedGen C0007134, MeSH D002292, MONDO:0005086, HP:0005584.

Submissions (2):

Ambry Genetics
Classification: Uncertain significance for Hereditary cancer-predisposing syndrome. Last evaluated: 2024-12-07. Review status: criteria provided, single submitter. Criteria: Ambry Variant Classification Scheme 2023. Collection method: clinical testing. Allele origin: germline.
Comment: The p.V546E variant (also known as c.1637T>A), located in coding exon 4 of the MET gene, results from a T to A substitution at nucleotide position 1637. The valine at codon 546 is replaced by glutamic acid, an amino acid with dissimilar properties. This amino acid position is conserved. In addition, this alteration is predicted to be tolerated by in silico analysis. Based on the available evidence, the clinical significance of this variant remains unclear.

Labcorp Genetics (formerly Invitae), Labcorp
Classification: Uncertain significance for Renal cell carcinoma. Last evaluated: 2024-09-18. Review status: criteria provided, single submitter. Criteria: Invitae Variant Classification Sherloc (09022015). Collection method: clinical testing. Allele origin: germline.
Comment: This sequence change replaces valine, which is neutral and non-polar, with glutamic acid, which is acidic and polar, at codon 546 of the MET protein (p.Val546Glu). This variant is not present in population databases (gnomAD no frequency). This variant has not been reported in the literature in individuals affected with MET-related conditions. ClinVar contains an entry for this variant (Variation ID: 1353442). Invitae Evidence Modeling of protein sequence and biophysical properties (such as structural, functional, and spatial information, amino acid conservation, physicochemical variation, residue mobility, and thermodynamic stability) indicates that this missense variant is not expected to disrupt MET protein function with a negative predictive value of 80%. In summary, the available evidence is currently insufficient to determine the role of this variant in disease. Therefore, it has been classified as a Variant of Uncertain Significance.

NM_000245.4(MET):c.1637T>A (p.Val546Glu)

Gene: MET (MET proto-oncogene, receptor tyrosine kinase; plus strand). Cytogenetic location: 7q31.2.
Variant type: single nucleotide variant.
Coding change: c.1637T>A on transcript NM_000245.4 (MANE Select); coding-DNA position 1637, T replaced by A.
Protein change: p.Val546Glu; replaces valine 546 with glutamic acid.
Molecular consequence: missense variant.
Genome position (GRCh38, 1-based): chr7:116,740,961, T>A. VCF-style: chr7-116740961-T-A. GRCh37 (hg19) VCF-style: chr7-116381015-T-A.
Other names: c.1637T>A, p.Val546Glu (NM_001127500.3, NM_001324401.3); c.347T>A, p.Val116Glu (NM_001324402.2); c.1637T>A (NM_001127500.1); short protein forms V116E, V546E.
Identifiers: ClinVar variation 1353442 (VCV001353442.7), dbSNP rs993463693, ClinGen allele CA164873881.